The following is an entry in ClinVar:

NM_003072.5(SMARCA4):c.4723_4749del (p.Ser1575_Glu1583del)

Gene: SMARCA4 (SWI/SNF related, matrix associated, actin dependent regulator of chromatin, subfamily a, member 4; plus strand). Cytogenetic location: 19p13.2.
Variant type: Deletion.
Coding change: c.4723_4749del on transcript NM_003072.5 (MANE Select); coding-DNA positions 4723 to 4749, 27 bases deleted (AGTGAGGAGGAGGAAGAGGGCGAGGAG).
Protein change: p.Ser1575_Glu1583del.
Molecular consequence: inframe deletion. On other transcripts: non-coding transcript variant (1).
Genome position (GRCh38, 1-based): chr19:11,059,840-11,059,866, AGTGAGGAGGAGGAAGAGGGCGAGGAG deleted; deleting any 27 consecutive bases within chr19:11,059,831-11,059,866 gives the same sequence; the c. name uses the placement nearest the transcript's 3' end. VCF-style (leftmost placement, unchanged base first): chr19-11059830-AGGCGAGGAGAGTGAGGAGGAGGAAGAG-A. GRCh37 (hg19) VCF-style: chr19-11170506-AGGCGAGGAGAGTGAGGAGGAGGAAGAG-A.
Other names: c.4723_4749del, p.Ser1575_Glu1583del (NM_001128844.3); c.4633_4659del, p.Ser1545_Glu1553del (NM_001128845.2); c.4630_4656del, p.Ser1544_Glu1552del (NM_001128846.2); c.4624_4650del, p.Ser1542_Glu1550del (NM_001128847.4, NM_001374457.1); c.4621_4647del, p.Ser1541_Glu1549del (NM_001128848.2); c.4819_4845del, p.Ser1607_Glu1615del (NM_001128849.3, NM_001387283.1).
Identifiers: ClinVar variation 504284 (VCV000504284.2), dbSNP rs1555795951, ClinGen allele CA658799148.

ClinVar aggregate classification (germline): Uncertain significance (1 of 4 stars; one submission).

Submission:

GeneDx
Classification: Uncertain significance. Last evaluated: 2018-02-12. Review status: criteria provided, single submitter. Criteria: GeneDx Variant Classification (06012015). Collection method: clinical testing. Allele origin: germline. Affected: yes.
Comment: The c.4819_4845del27 variant in the SMARCA4 gene has not been reported previously as a pathogenic variant nor as a benign variant, to our knowledge. A larger in-frame deletion of 279 amino acids encompassing exons 30-35 has been reported in an individual with Coffin-Siris syndrome (Bramswig et al., 2015). The c.4819_4845del27 variant causes an in-frame deletion of nine amino acids, denoted p.Ser1607_Glu1615del. The deleted residues do not belong to any functional domain of the protein, and no missense variants associated with Coffin-Siris syndrome have been reported in this region of the protein (Witkowski et al., 2014; Stenson et al., 2014). However, in silico analysis, which includes protein predictors and evolutionary conservation, supports a deleterious effect. The c.4819_4845del27 variant is not observed in large population cohorts (Lek et al., 2016). We interpret c.4819_4845del27 as a variant of uncertain significance.